The following is an entry in ClinVar:

ClinVar aggregate classification (germline): Likely benign (0 of 4 stars; one submission).

Conditions:
FOXD3-related disorder. Also called: FOXD3-related condition.

Submission:

PreventionGenetics, part of Exact Sciences
Classification: Likely benign for FOXD3-related condition. Last evaluated: 2019-02-22. Review status: no assertion criteria provided. Collection method: clinical testing. Allele origin: germline.
Comment: This variant is classified as likely benign based on ACMG/AMP sequence variant interpretation guidelines (Richards et al. 2015 PMID: 25741868, with internal and published modifications).

NM_012183.3(FOXD3):c.804G>C (p.Ala268=)

Genes: FOXD3 (forkhead box D3; plus strand), FOXD3-AS1 (FOXD3 antisense RNA 1; minus strand). Cytogenetic location: 1p31.3.
Variant type: single nucleotide variant.
Coding change: c.804G>C on transcript NM_012183.3 (MANE Select); coding-DNA position 804, G replaced by C.
Protein change: p.Ala268=; no amino-acid change (alanine 268 retained).
Molecular consequence: synonymous variant.
Genome position (GRCh38, 1-based): chr1:63,323,862, G>C. VCF-style: chr1-63323862-G-C. GRCh37 (hg19) VCF-style: chr1-63789533-G-C.
Identifiers: ClinVar variation 3037990 (VCV003037990.2), dbSNP rs758688806, ClinGen allele CA418211806.
Genomic context (GRCh38, chr1:63,323,862, plus strand): 5'-GACGGCGCTCATGATGCAGAGCTTCGGCGCTTACAGCCTGGCGGCGGCGGCCGGCGCCGC[G>C]GGACCCTACGGCCGCCCCTACGGCCTGCACCCTGCGGCGGCGGCCGGTGCCTATTCGCAC-3'
Protein context (NP_036315.1, residues 258-278): AYSLAAAAGA[Ala268=]GPYGRPYGLH